The following is an entry in ClinVar:

ClinVar aggregate classification (germline): Uncertain significance. Review status: criteria provided, single submitter (1 of 4 stars). 2 submissions from 2 submitters: Uncertain significance (1). 1 of the submissions does not count toward it. Last evaluated 2025-08-03.

Conditions:
SEMA3D-related disorder. Also called: SEMA3D-related condition.

gnomAD v4.1: 45 of 1,613,946 alleles (0.0028%); highest among the groups gnomAD compares: Non-Finnish European, 0.0037%; no homozygotes.

Submissions (2):

Ambry Genetics
Classification: Uncertain significance. Last evaluated: 2025-08-03. Review status: criteria provided, single submitter. Criteria: Ambry Variant Classification Scheme 2023. Collection method: clinical testing. Allele origin: germline.

PreventionGenetics, part of Exact Sciences
Classification: Uncertain significance for SEMA3D-related condition. Last evaluated: 2024-07-29. Review status: no assertion criteria provided. Collection method: clinical testing. Allele origin: germline. Not counted in ClinVar's aggregate classification.
Comment: The SEMA3D c.2114T>G variant is predicted to result in the amino acid substitution p.Leu705Arg. To our knowledge, this variant has not been reported in the literature. This variant is reported in 0.0062% of alleles in individuals of African descent in gnomAD. At this time, the clinical significance of this variant is uncertain due to the absence of conclusive functional and genetic evidence.

NM_001384900.1(SEMA3D):c.2114T>G (p.Leu705Arg)

Genes: SEMA3D (semaphorin 3D; minus strand), LOC126860094 (BRD4-independent group 4 enhancer GRCh37_chr7:84628763-84629962; plus strand). Cytogenetic location: 7q21.11.
Variant type: single nucleotide variant.
Coding change: c.2114T>G on transcript NM_001384900.1 (MANE Select); coding-DNA position 2114, T replaced by G.
Protein change: p.Leu705Arg; replaces leucine 705 with arginine.
Molecular consequence: missense variant.
Genome position (GRCh38, 1-based): chr7:84,999,660, A>C on the plus strand (T>G on the coding strand, the complement: SEMA3D is on the minus strand). VCF-style: chr7-84999660-A-C. GRCh37 (hg19) VCF-style: chr7-84628976-A-C.
Other names: c.2114T>G, p.Leu705Arg (NM_001384901.1, NM_001384902.1, NM_001384903.1 and 1 more transcripts); short protein forms L705R.
Identifiers: ClinVar variation 3353681 (VCV003353681.2).